The following is an entry in ClinVar:

NM_052947.4(ALPK2):c.2849A>G (p.Asn950Ser)

Gene: ALPK2 (alpha kinase 2; minus strand). Cytogenetic location: 18q21.31.
Variant type: single nucleotide variant.
Coding change: c.2849A>G on transcript NM_052947.4 (MANE Select); coding-DNA position 2849, A replaced by G.
Protein change: p.Asn950Ser; replaces asparagine 950 with serine.
Molecular consequence: missense variant.
Genome position (GRCh38, 1-based): chr18:58,537,338, T>C on the plus strand (A>G on the coding strand, the complement: ALPK2 is on the minus strand). VCF-style: chr18-58537338-T-C. GRCh37 (hg19) VCF-style: chr18-56204570-T-C.
Other names: short protein forms N950S.
Identifiers: ClinVar variation 1796796 (VCV001796796.2), dbSNP rs2051656907, ClinGen allele CA402569643.

ClinVar aggregate classification (germline): Uncertain significance (1 of 4 stars; one submission).

Allele frequency attached by ClinVar (database versions not stated): gnomAD exomes below 0.00001.
gnomAD v4.1: 2 of 1,614,122 alleles (0.00012%); highest among the groups gnomAD compares: Non-Finnish European, 0.00017%; no homozygotes.

Submission:

Ambry Genetics
Classification: Uncertain significance. Last evaluated: 2022-06-24. Review status: criteria provided, single submitter. Criteria: Ambry Variant Classification Scheme 2023. Collection method: clinical testing. Allele origin: germline.
Comment: The p.N950S variant (also known as c.2849A>G), located in coding exon 4 of the ALPK2 gene, results from an A to G substitution at nucleotide position 2849. The asparagine at codon 950 is replaced by serine, an amino acid with highly similar properties. This amino acid position is conserved. In addition, this alteration is predicted to be tolerated by in silico analysis. Since supporting evidence is limited at this time, the clinical significance of this alteration remains unclear.